The following is an entry in ClinVar:

ClinVar aggregate classification (germline): Likely pathogenic (1 of 4 stars; one submission).

Allele frequency attached by ClinVar (database versions not stated): TOPMed 0.00001.

Submission:

Labcorp Genetics (formerly Invitae), Labcorp
Classification: Likely pathogenic. Last evaluated: 2024-05-10. Review status: criteria provided, single submitter. Criteria: Invitae Variant Classification Sherloc (09022015). Collection method: clinical testing. Allele origin: germline.
Comment: This sequence change affects a donor splice site in intron 4 of the IFNAR1 gene. It is expected to disrupt RNA splicing. Variants that disrupt the donor or acceptor splice site typically lead to a loss of protein function (PMID: 16199547), and loss-of-function variants in IFNAR1 are known to be pathogenic (PMID: 31270247, 32960813). This variant is not present in population databases (gnomAD no frequency). This variant has not been reported in the literature in individuals affected with IFNAR1-related conditions. ClinVar contains an entry for this variant (Variation ID: 1972985). Algorithms developed to predict the effect of sequence changes on RNA splicing suggest that this variant may disrupt the consensus splice site. In summary, the currently available evidence indicates that the variant is pathogenic, but additional data are needed to prove that conclusively. Therefore, this variant has been classified as Likely Pathogenic.

Literature cited by the submitters: PubMed 16199547; PubMed 31270247; PubMed 32960813.

NM_000629.3(IFNAR1):c.531+2T>G

Gene: IFNAR1 (interferon alpha and beta receptor subunit 1; plus strand). Cytogenetic location: 21q22.11.
Variant type: single nucleotide variant.
Coding change: c.531+2T>G on transcript NM_000629.3 (MANE Select); the canonical splice donor site of the intron after coding-DNA position 531, T replaced by G.
Molecular consequence: splice donor variant.
Genome position (GRCh38, 1-based): chr21:33,343,424, T>G. VCF-style: chr21-33343424-T-G. GRCh37 (hg19) VCF-style: chr21-34715730-T-G.
Other names: c.324+2T>G (NM_001384504.1); c.-256+2T>G (NM_001384500.1); c.531+2T>G (NM_001384498.1, NM_001384503.1, NM_001384499.1 and 1 more transcripts); c.69+2T>G (NM_001384502.1).
Identifiers: ClinVar variation 1972985 (VCV001972985.4), dbSNP rs1048452849, ClinGen allele CA320145082.
Genomic context (GRCh38, chr21:33,343,424, plus strand): 5'-TGGATGGTTTAAGCTTTACATATAGCTTAGTTATCTGGAAAAACTCTTCAGGTGTAGAAG[T>G]AAGCATTATTTTTACCTCTGTTTAATCGATGTGAGAGAAAAATTAGGCGAATTAATCCTA-3'